The following is an entry in ClinVar:

ClinVar aggregate classification (germline): Uncertain significance (1 of 4 stars; one submission).

Conditions:
Werner syndrome (WRN). Identifiers: Orphanet 902, MedGen C0043119, MONDO:0010196, OMIM 277700.

Submission:

Labcorp Genetics (formerly Invitae), Labcorp
Classification: Uncertain significance for Werner syndrome. Last evaluated: 2021-07-14. Review status: criteria provided, single submitter. Criteria: Invitae Variant Classification Sherloc (09022015). Collection method: clinical testing. Allele origin: germline.
Comment: In summary, the available evidence is currently insufficient to determine the role of this variant in disease. Therefore, it has been classified as a Variant of Uncertain Significance. Algorithms developed to predict the effect of missense changes on protein structure and function are either unavailable or do not agree on the potential impact of this missense change (SIFT: "Tolerated"; PolyPhen-2: "Possibly Damaging"; Align-GVGD: "Class C0"). This variant has not been reported in the literature in individuals with WRN-related disease. This variant is not present in population databases (ExAC no frequency). This sequence change replaces lysine with threonine at codon 1220 of the WRN protein (p.Lys1220Thr). The lysine residue is moderately conserved and there is a moderate physicochemical difference between lysine and threonine.

NM_000553.6(WRN):c.3659A>C (p.Lys1220Thr)

Gene: WRN (WRN RecQ like helicase; plus strand). Cytogenetic location: 8p12.
Variant type: single nucleotide variant.
Coding change: c.3659A>C on transcript NM_000553.6 (MANE Select); coding-DNA position 3659, A replaced by C.
Protein change: p.Lys1220Thr; replaces lysine 1220 with threonine.
Molecular consequence: missense variant.
Genome position (GRCh38, 1-based): chr8:31,150,427, A>C. VCF-style: chr8-31150427-A-C. GRCh37 (hg19) VCF-style: chr8-31007943-A-C.
Other names: short protein forms K1220T.
Identifiers: ClinVar variation 644688 (VCV000644688.4), dbSNP rs755045369, ClinGen allele CA370928001.